The following is an entry in ClinVar:

ClinVar aggregate classification (germline): Pathogenic/Likely pathogenic. Review status: criteria provided, multiple submitters, no conflicts (2 of 4 stars). 2 submissions from 2 submitters: Pathogenic (1); Likely pathogenic (1). Last evaluated 2025-08-19.

Conditions:
Intellectual developmental disorder with or without epilepsy or cerebellar ataxia. Identifiers: MedGen C4748041, MONDO:0060745, OMIM 618060.

Allele frequency attached by ClinVar (database versions not stated): TOPMed 0.00003; gnomAD 0.00001; ExAC 0.00002.
gnomAD v4.1: 10 of 1,599,020 alleles (0.00063%); highest among the groups gnomAD compares: Admixed American, 0.017%; no homozygotes.

Submissions (2):

Variantyx, Inc.
Classification: Likely pathogenic for Intellectual developmental disorder with or without epilepsy or cerebellar ataxia. Last evaluated: 2025-08-19. Review status: criteria provided, single submitter. Criteria: Variantyx Assertion Criteria 2022. Collection method: clinical testing. Allele origin: germline. Inheritance: Autosomal recessive inheritance. Affected: no.
Comment: This is a nonsense variant in the VPS13C gene (OMIM: 608879). Pathogenic variants in this gene have been associated with autosomal recessive early onset Parkinson disease 23. This variant introduces a premature termination codon in exon 75 out of 85 and is expected to result in loss of function, which is a known disease mechanism for VPS13C in this disorder (PMID: 26942284, 34875562) (PVS1). This variant has a 0.0173% maximum allele frequency in non-founder control populations (PM2). Based on the current evidence, this variant is classified as likely pathogenic for autosomal recessive early onset Parkinson disease 23.

Labcorp Genetics (formerly Invitae), Labcorp
Classification: Pathogenic. Last evaluated: 2023-09-09. Review status: criteria provided, single submitter. Criteria: Invitae Variant Classification Sherloc (09022015). Collection method: clinical testing. Allele origin: germline.
Comment: This sequence change creates a premature translational stop signal (p.Glu3407*) in the VPS13C gene. It is expected to result in an absent or disrupted protein product. Loss-of-function variants in VPS13C are known to be pathogenic (PMID: 26942284, 34875562). This variant is present in population databases (rs751054856, gnomAD 0.03%). This variant has not been reported in the literature in individuals affected with VPS13C-related conditions. For these reasons, this variant has been classified as Pathogenic.

Literature cited by the submitters: PubMed 26942284 (cited by Variantyx, Inc. and Labcorp Genetics (formerly Invitae), Labcorp); PubMed 34875562 (cited by Variantyx, Inc. and Labcorp Genetics (formerly Invitae), Labcorp).

NM_020821.3(VPS13C):c.10219G>T (p.Glu3407Ter)

Gene: VPS13C (vacuolar protein sorting 13 homolog C; minus strand). Cytogenetic location: 15q22.2.
Variant type: single nucleotide variant.
Coding change: c.10219G>T on transcript NM_020821.3 (MANE Select); coding-DNA position 10219, G replaced by T.
Protein change: p.Glu3407Ter; replaces glutamic acid 3407 with a stop codon.
Molecular consequence: nonsense.
Genome position (GRCh38, 1-based): chr15:61,876,978, C>A on the plus strand (G>T on the coding strand, the complement: VPS13C is on the minus strand). VCF-style: chr15-61876978-C-A. GRCh37 (hg19) VCF-style: chr15-62169177-C-A.
Other names: c.10219G>T, p.Glu3407Ter (NM_001018088.3); c.10090G>T, p.Glu3364Ter (NM_017684.5, NM_018080.4); short protein forms E3364*, E3407*.
Identifiers: ClinVar variation 3006540 (VCV003006540.4), dbSNP rs751054856, ClinGen allele CA7594396.